The following is an entry in ClinVar:

NM_006939.4(SOS2):c.983G>A (p.Gly328Asp)

Gene: SOS2 (SOS Ras/Rho guanine nucleotide exchange factor 2; minus strand). Cytogenetic location: 14q21.3.
Variant type: single nucleotide variant.
Coding change: c.983G>A on transcript NM_006939.4 (MANE Select); coding-DNA position 983, G replaced by A.
Protein change: p.Gly328Asp; replaces glycine 328 with aspartic acid.
Molecular consequence: missense variant. On other transcripts: intron variant (1).
Genome position (GRCh38, 1-based): chr14:50,174,539, C>T on the plus strand (G>A on the coding strand, the complement: SOS2 is on the minus strand). VCF-style: chr14-50174539-C-T. GRCh37 (hg19) VCF-style: chr14-50641257-C-T.
Other names: c.969+6033G>A (NM_001411020.1); short protein forms G328D.
Identifiers: ClinVar variation 4534866 (VCV004534866.6).

ClinVar aggregate classification (germline): Uncertain significance (1 of 4 stars; one submission).

gnomAD v4.1: 1 of 1,607,600 alleles (0.000062%); highest among the groups gnomAD compares: Non-Finnish European, 0.000085%; no homozygotes.

Submission:

CeGaT Center for Human Genetics Tuebingen
Classification: Uncertain significance. Last evaluated: 2025-10-01. Review status: criteria provided, single submitter. Criteria: CeGaT Center For Human Genetics Tuebingen Variant Classification Criteria Version 2. Collection method: clinical testing. Allele origin: germline. Affected: yes. Observed: 1 variant allele.
Comment: SOS2: PM2, PP3